The following is an entry in ClinVar:

NM_001042492.3(NF1):c.589A>G (p.Thr197Ala)

Gene: NF1 (neurofibromin 1; plus strand). Cytogenetic location: 17q11.2.
Variant type: single nucleotide variant.
Coding change: c.589A>G on transcript NM_001042492.3 (MANE Select); coding-DNA position 589, A replaced by G.
Protein change: p.Thr197Ala; replaces threonine 197 with alanine.
Molecular consequence: missense variant.
Genome position (GRCh38, 1-based): chr17:31,181,424, A>G. VCF-style: chr17-31181424-A-G. GRCh37 (hg19) VCF-style: chr17-29508442-A-G.
Other names: c.589A>G, p.Thr197Ala (NM_000267.4, NM_001128147.3); short protein forms T197A.
Identifiers: ClinVar variation 572839 (VCV000572839.9), dbSNP rs1171626658, ClinGen allele CA398989191.
Genomic context (GRCh38, chr17:31,181,424, plus strand): 5'-AGTTGTATTTGTGTTAACTTATTCTAGAGTTAATTTTTAAAAATTGTGTTTTTTCCAGAA[A>G]CAGCATTTAAATTTAAAGCCCTAAAGAAGGTTGCGCAGTTAGCAGTTATAAATAGCCTGG-3'
Protein context (NP_001035957.1, residues 187-207): CAKLKRLLKE[Thr197Ala]AFKFKALKKV

ClinVar aggregate classification (germline): Uncertain significance. Review status: criteria provided, multiple submitters, no conflicts (2 of 4 stars). 2 submissions from 2 submitters: Uncertain significance (2). Last evaluated 2024-10-17.

Conditions:
Neurofibromatosis, type 1 (NF1). Also called: Peripheral type neurofibromatosis; VON RECKLINGHAUSEN DISEASE; Neurofibromatosis, type I; NEUROFIBROMATOSIS, TYPE I, SOMATIC. Identifiers: Orphanet 636, MedGen C0027831, MONDO:0018975, OMIM 162200. Disease mechanism: loss of function.
Cardiovascular phenotype. Identifiers: MedGen CN230736.
Hereditary cancer-predisposing syndrome. Also called: Hereditary neoplastic syndrome; Neoplastic Syndromes, Hereditary; Hereditary Cancer Syndrome; Tumor predisposition. Identifiers: Orphanet 140162, MedGen C0027672, MeSH D009386, MONDO:0015356.

Allele frequency attached by ClinVar (database versions not stated): gnomAD exomes below 0.00001.
gnomAD v4.1: 1 of 1,612,968 alleles (0.000062%); highest among the groups gnomAD compares: Non-Finnish European, 0.000085%; no homozygotes.

Submissions (2):

Ambry Genetics
Classification: Uncertain significance for Cardiovascular phenotype; Hereditary cancer-predisposing syndrome. Last evaluated: 2024-10-17. Review status: criteria provided, single submitter. Criteria: Ambry Variant Classification Scheme 2023. Collection method: clinical testing. Allele origin: germline.
Comment: The p.T197A variant (also known as c.589A>G), located in coding exon 6 of the NF1 gene, results from an A to G substitution at nucleotide position 589. The threonine at codon 197 is replaced by alanine, an amino acid with similar properties. This amino acid position is well conserved in available vertebrate species. In addition, the in silico prediction for this alteration is inconclusive. Since supporting evidence is limited at this time, the clinical significance of this alteration remains unclear.

Labcorp Genetics (formerly Invitae), Labcorp
Classification: Uncertain significance for Neurofibromatosis, type 1. Last evaluated: 2024-09-04. Review status: criteria provided, single submitter. Criteria: Invitae Variant Classification Sherloc (09022015). Collection method: clinical testing. Allele origin: germline.
Comment: This sequence change replaces threonine, which is neutral and polar, with alanine, which is neutral and non-polar, at codon 197 of the NF1 protein (p.Thr197Ala). This variant is present in population databases (no rsID available, gnomAD 0.0009%). This variant has not been reported in the literature in individuals affected with NF1-related conditions. ClinVar contains an entry for this variant (Variation ID: 572839). An algorithm developed to predict the effect of missense changes on protein structure and function (PolyPhen-2) suggests that this variant is likely to be tolerated. In summary, the available evidence is currently insufficient to determine the role of this variant in disease. Therefore, it has been classified as a Variant of Uncertain Significance.